The following is an entry in ClinVar:

ClinVar aggregate classification (germline): Uncertain significance (1 of 4 stars; one submission).

Submission:

Labcorp Genetics (formerly Invitae), Labcorp
Classification: Uncertain significance. Last evaluated: 2022-06-09. Review status: criteria provided, single submitter. Criteria: Invitae Variant Classification Sherloc (09022015). Collection method: clinical testing. Allele origin: germline.
Comment: A gross deletion of the genomic region encompassing the full coding sequence of the CPA1 gene has been identified. The current clinical and genetic evidence is not sufficient to establish whether loss-of-function variants in CPA1 cause disease. The boundaries of this event are unknown as they extend beyond the assayed region for this gene and therefore may encompass additional genes. This variant has not been reported in the literature in individuals affected with CPA1-related conditions. In summary, the available evidence is currently insufficient to determine the role of this variant in disease. Therefore, it has been classified as a Variant of Uncertain Significance.

NC_000007.13:g.(?_130020362)_(130667121_?)del

Genes: CEP41 (centrosomal protein 41; minus strand), COPG2 (COPI coat complex subunit gamma 2; minus strand), CPA1 (carboxypeptidase A1; plus strand), KLF14 (KLF transcription factor 14; minus strand), MEST (mesoderm specific transcript; plus strand) and 5 more. Cytogenetic location: 7q32.2-32.3.
Variant type: Deletion.
Identifiers: ClinVar variation 2424285 (VCV002424285.4).